The following is an entry in ClinVar:

NM_001170629.2(CHD8):c.1788T>A (p.Asp596Glu)

Gene: CHD8 (chromodomain helicase DNA binding protein 8; minus strand). Cytogenetic location: 14q11.2.
Variant type: single nucleotide variant.
Coding change: c.1788T>A on transcript NM_001170629.2 (MANE Select); coding-DNA position 1788, T replaced by A.
Protein change: p.Asp596Glu; replaces aspartic acid 596 with glutamic acid.
Molecular consequence: missense variant.
Genome position (GRCh38, 1-based): chr14:21,415,836, A>T on the plus strand (T>A on the coding strand, the complement: CHD8 is on the minus strand). VCF-style: chr14-21415836-A-T. GRCh37 (hg19) VCF-style: chr14-21883995-A-T.
Other names: c.951T>A, p.Asp317Glu (NM_020920.4); short protein forms D317E, D596E.
Identifiers: ClinVar variation 1314417 (VCV001314417.2), dbSNP rs2139499884, ClinGen allele CA388879846.
Genomic context (GRCh38, chr14:21,415,836, plus strand): 5'-TTCAGGGAGGATAGGCTCAGGTTTTATTGGACCAGTTACATCCACCTCTTCTTCTTCTTC[A>T]TCATCTGTGATCTTTATATCCAGGTCCTCTGTATATTTTTTTCGCTTAACTTGGCGGTTT-3'
Protein context (NP_001164100.1, residues 586-606): TEDLDIKITD[Asp596Glu]EEEEEVDVTG

ClinVar aggregate classification (germline): Uncertain significance (1 of 4 stars; one submission).

Allele frequency attached by ClinVar (database versions not stated): gnomAD exomes below 0.00001.
gnomAD v4.1: 1 of 1,613,978 alleles (0.000062%); highest among the groups gnomAD compares: Non-Finnish European, 0.000085%; no homozygotes.

Submission:

GeneDx
Classification: Uncertain significance. Last evaluated: 2021-04-09. Review status: criteria provided, single submitter. Criteria: GeneDx Variant Classification Process June 2021. Collection method: clinical testing. Allele origin: germline. Affected: yes.
Comment: Not observed in large population cohorts (Lek et al., 2016); In silico analysis supports that this missense variant does not alter protein structure/function; Has not been previously published as pathogenic or benign to our knowledge